The following is an entry in ClinVar:

ClinVar aggregate classification (germline): Uncertain significance (1 of 4 stars; one submission).

Submission:

Labcorp Genetics (formerly Invitae), Labcorp
Classification: Uncertain significance. Last evaluated: 2022-12-02. Review status: criteria provided, single submitter. Criteria: Invitae Variant Classification Sherloc (09022015). Collection method: clinical testing. Allele origin: germline.
Comment: This variant is not present in population databases (gnomAD no frequency). This variant has not been reported in the literature in individuals affected with ERBIN-related conditions. Variants that disrupt the consensus splice site are a relatively common cause of aberrant splicing (PMID: 17576681, 9536098). Algorithms developed to predict the effect of sequence changes on RNA splicing suggest that this variant is not likely to affect RNA splicing. In summary, the available evidence is currently insufficient to determine the role of this variant in disease. Therefore, it has been classified as a Variant of Uncertain Significance. This sequence change falls in intron 4 of the ERBIN gene. It does not directly change the encoded amino acid sequence of the ERBIN protein. It affects a nucleotide within the consensus splice site.

Literature cited by the submitters: PubMed 17576681; PubMed 9536098.

NM_001253697.2(ERBIN):c.308-3T>C

Gene: ERBIN (erbb2 interacting protein; plus strand). Cytogenetic location: 5q12.3.
Variant type: single nucleotide variant.
Coding change: c.308-3T>C on transcript NM_001253697.2 (MANE Select); 3 bases into the intron before coding-DNA position 308, T replaced by C.
Molecular consequence: intron variant.
Genome position (GRCh38, 1-based): chr5:66,012,046, T>C. VCF-style: chr5-66012046-T-C. GRCh37 (hg19) VCF-style: chr5-65307874-T-C.
Other names: c.308-3T>C (NM_001253699.2, NM_018695.4, NM_001253698.2 and 2 more transcripts).
Identifiers: ClinVar variation 2817970 (VCV002817970.3), dbSNP rs2546665865, ClinGen allele CA2739274751.